The following is an entry in ClinVar:

ClinVar aggregate classification (germline): Likely pathogenic (1 of 4 stars; one submission).

Submission:

Labcorp Genetics (formerly Invitae), Labcorp
Classification: Likely pathogenic. Last evaluated: 2025-12-03. Review status: criteria provided, single submitter. Criteria: Invitae Variant Classification Sherloc (09022015). Collection method: clinical testing. Allele origin: germline.
Comment: This sequence change affects an acceptor splice site in intron 31 of the COL11A1 gene. It is expected to disrupt RNA splicing. Variants that disrupt the donor or acceptor splice site typically lead to a loss of protein function (PMID: 16199547), and loss-of-function variants in COL11A1 are known to be pathogenic (PMID: 20513134, 21035103, 23922384, 25240749, 32427345, 32756486). This variant is not present in population databases (gnomAD no frequency). This variant has not been reported in the literature in individuals affected with COL11A1-related conditions. Algorithms developed to predict the effect of sequence changes on RNA splicing suggest that this variant may disrupt the consensus splice site. In summary, the currently available evidence indicates that the variant is pathogenic, but additional data are needed to prove that conclusively. Therefore, this variant has been classified as Likely Pathogenic.

Literature cited by the submitters: PubMed 16199547; PubMed 20513134; PubMed 21035103; PubMed 23922384; PubMed 25240749; PubMed 32427345; PubMed 32756486.

NM_001854.4(COL11A1):c.2557-1G>C

Gene: COL11A1 (collagen type XI alpha 1 chain; minus strand). Cytogenetic location: 1p21.1.
Variant type: single nucleotide variant.
Coding change: c.2557-1G>C on transcript NM_001854.4 (MANE Select); the canonical splice acceptor site of the intron before coding-DNA position 2557, G replaced by C.
Molecular consequence: splice acceptor variant.
Genome position (GRCh38, 1-based): chr1:102,979,436, C>G on the plus strand (G>C on the coding strand, the complement: COL11A1 is on the minus strand). VCF-style: chr1-102979436-C-G. GRCh37 (hg19) VCF-style: chr1-103444992-C-G.
Other names: c.2440-1G>C (NM_001190709.2); c.2593-1G>C (NM_080629.3); c.2209-1G>C (NM_080630.4).
Identifiers: ClinVar variation 4732423 (VCV004732423.1).